The following is an entry in ClinVar:

NM_004612.4(TGFBR1):c.239G>A (p.Arg80Gln)

Gene: TGFBR1 (transforming growth factor beta receptor 1; plus strand). Cytogenetic location: 9q22.33.
Variant type: single nucleotide variant.
Coding change: c.239G>A on transcript NM_004612.4 (MANE Select); coding-DNA position 239, G replaced by A.
Protein change: p.Arg80Gln; replaces arginine 80 with glutamine.
Molecular consequence: missense variant.
Genome position (GRCh38, 1-based): chr9:99,128,996, G>A. VCF-style: chr9-99128996-G-A. GRCh37 (hg19) VCF-style: chr9-101891278-G-A.
Other names: c.239G>A, p.Arg80Gln (NM_001130916.3, NM_001306210.2); c.239G>A (NM_004612.2); short protein forms R80Q.
Identifiers: ClinVar variation 1171540 (VCV001171540.10), dbSNP rs1368326650, ClinGen allele CA374225838.

ClinVar aggregate classification (germline): Uncertain significance. Review status: criteria provided, multiple submitters, no conflicts (2 of 4 stars). 4 submissions from 4 submitters: Uncertain significance (4). Last evaluated 2024-01-18.

Conditions:
Loeys-Dietz syndrome (LDS). Identifiers: Orphanet 60030, MedGen C2697932, MONDO:0018954.
Familial thoracic aortic aneurysm and aortic dissection (TAAD). Also called: Thoracic aortic aneurysms and dissections. Identifiers: Orphanet 91387, MedGen C4707243, MONDO:0019625.

Allele frequency attached by ClinVar (database versions not stated): gnomAD exomes below 0.00001.
gnomAD v4.1: 2 of 1,613,864 alleles (0.00012%); highest among the groups gnomAD compares: South Asian, 0.0022%; no homozygotes.

Submissions (4):

Labcorp Genetics (formerly Invitae), Labcorp
Classification: Uncertain significance for Familial thoracic aortic aneurysm and aortic dissection. Last evaluated: 2024-01-18. Review status: criteria provided, single submitter. Criteria: Invitae Variant Classification Sherloc (09022015). Collection method: clinical testing. Allele origin: germline.
Comment: This sequence change replaces arginine, which is basic and polar, with glutamine, which is neutral and polar, at codon 80 of the TGFBR1 protein (p.Arg80Gln). This variant is present in population databases (no rsID available, gnomAD 0.003%). This missense change has been observed in individual(s) with autosomal recessive Loeys-Dietz syndrome (PMID: 36584339). It has also been observed to segregate with disease in related individuals. ClinVar contains an entry for this variant (Variation ID: 1171540). Advanced modeling of protein sequence and biophysical properties (such as structural, functional, and spatial information, amino acid conservation, physicochemical variation, residue mobility, and thermodynamic stability) performed at Invitae indicates that this missense variant is not expected to disrupt TGFBR1 protein function with a negative predictive value of 95%. In summary, the available evidence is currently insufficient to determine the role of this variant in disease. Therefore, it has been classified as a Variant of Uncertain Significance.

All of Us Research Program, National Institutes of Health
Classification: Uncertain significance for Loeys-Dietz syndrome. Last evaluated: 2023-07-10. Review status: criteria provided, single submitter. Criteria: ACMG Guidelines, 2015. Collection method: clinical testing. Allele origin: germline. Inheritance: Autosomal dominant inheritance. Observed: 1 variant allele, 1 heterozygote.
Comment: This missense variant replaces arginine with glutamine at codon 80 of the TGFBR1 protein. Computational prediction suggests that this variant may not impact protein structure and function (internally defined REVEL score threshold <= 0.5, PMID: 27666373). To our knowledge, functional studies have not been reported for this variant. This variant has not been reported in individuals affected with cardiovascular disorders in the literature. This variant has been identified in 1/250856 chromosomes in the general population by the Genome Aggregation Database (gnomAD). The available evidence is insufficient to determine the role of this variant in disease conclusively. Therefore, this variant is classified as a Variant of Uncertain Significance.

This study involves interpretation of variants in research participants for the purpose of population health screening. Participant phenotype was not available at the time of variant classification. Additional details can be found in publication PMID: 35346344, PMCID: PMC8962531

Color Diagnostics, LLC DBA Color Health
Classification: Uncertain significance for Familial thoracic aortic aneurysm and aortic dissection. Last evaluated: 2022-10-18. Review status: criteria provided, single submitter. Criteria: ACMG Guidelines, 2015. Collection method: clinical testing. Allele origin: germline.
Comment: This missense variant replaces arginine with glutamine at codon 80 of the TGFBR1 protein. Computational prediction suggests that this variant may not impact protein structure and function (internally defined REVEL score threshold <= 0.5, PMID: 27666373). To our knowledge, functional studies have not been reported for this variant. This variant has not been reported in individuals affected with cardiovascular disorders in the literature. This variant has been identified in 1/250856 chromosomes in the general population by the Genome Aggregation Database (gnomAD). The available evidence is insufficient to determine the role of this variant in disease conclusively. Therefore, this variant is classified as a Variant of Uncertain Significance.

Ambry Genetics
Classification: Uncertain significance for Familial thoracic aortic aneurysm and aortic dissection. Last evaluated: 2021-08-26. Review status: criteria provided, single submitter. Criteria: Ambry Variant Classification Scheme 2023. Collection method: clinical testing. Allele origin: germline.
Comment: The p.R80Q variant (also known as c.239G>A), located in coding exon 2 of the TGFBR1 gene, results from a G to A substitution at nucleotide position 239. The arginine at codon 80 is replaced by glutamine, an amino acid with highly similar properties. This amino acid position is conserved. In addition, the in silico prediction for this alteration is inconclusive. Since supporting evidence is limited at this time, the clinical significance of this alteration remains unclear.

Literature cited by the submitters: PubMed 36584339 (cited by Labcorp Genetics (formerly Invitae), Labcorp).